The following is an entry in ClinVar:

NM_006014.5(LAGE3):c.131G>T (p.Gly44Val)

Genes: LAGE3 (L antigen family member 3; minus strand), LOC130068876 (ATAC-STARR-seq lymphoblastoid silent region 21109; plus strand). Cytogenetic location: Xq28.
Variant type: single nucleotide variant.
Coding change: c.131G>T on transcript NM_006014.5 (MANE Select); coding-DNA position 131, G replaced by T.
Protein change: p.Gly44Val; replaces glycine 44 with valine.
Molecular consequence: missense variant.
Genome position (GRCh38, 1-based): chrX:154,478,785, C>A on the plus strand (G>T on the coding strand, the complement: LAGE3 is on the minus strand). VCF-style: chrX-154478785-C-A. GRCh37 (hg19) VCF-style: chrX-153707124-C-A.
Other names: short protein forms G44V.
Identifiers: ClinVar variation 2862136 (VCV002862136.3), dbSNP rs2523106859, ClinGen allele CA415193835.

ClinVar aggregate classification (germline): Uncertain significance (1 of 4 stars; one submission).

Submission:

Labcorp Genetics (formerly Invitae), Labcorp
Classification: Uncertain significance. Last evaluated: 2023-06-06. Review status: criteria provided, single submitter. Criteria: Invitae Variant Classification Sherloc (09022015). Collection method: clinical testing. Allele origin: germline.
Comment: This variant has not been reported in the literature in individuals affected with LAGE3-related conditions. This sequence change replaces glycine, which is neutral and non-polar, with valine, which is neutral and non-polar, at codon 44 of the LAGE3 protein (p.Gly44Val). This variant is not present in population databases (gnomAD no frequency). Algorithms developed to predict the effect of missense changes on protein structure and function output the following: SIFT: "Not Available"; PolyPhen-2: "Benign"; Align-GVGD: "Not Available". The valine amino acid residue is found in multiple mammalian species, which suggests that this missense change does not adversely affect protein function. In summary, the available evidence is currently insufficient to determine the role of this variant in disease. Therefore, it has been classified as a Variant of Uncertain Significance.